The following is an entry in ClinVar:

NM_024312.5(GNPTAB):c.70T>G (p.Phe24Val)

Gene: GNPTAB (N-acetylglucosamine-1-phosphate transferase subunits alpha and beta; minus strand). Cytogenetic location: 12q23.2.
Variant type: single nucleotide variant.
Coding change: c.70T>G on transcript NM_024312.5 (MANE Select); coding-DNA position 70, T replaced by G.
Protein change: p.Phe24Val; replaces phenylalanine 24 with valine.
Molecular consequence: missense variant.
Genome position (GRCh38, 1-based): chr12:101,830,606, A>C on the plus strand (T>G on the coding strand, the complement: GNPTAB is on the minus strand). VCF-style: chr12-101830606-A-C. GRCh37 (hg19) VCF-style: chr12-102224384-A-C.
Other names: short protein forms F24V.
Identifiers: ClinVar variation 785758 (VCV000785758.16), dbSNP rs141329633, ClinGen allele CA6747018.
Genomic context (GRCh38, chr12:101,830,606, plus strand): 5'-CGCCGCTACTCACCTCTCCGAACTGGAAGGCGGAGACGATGGTGACAACGACGCCCAAGA[A>C]GCACACGTAGAGCCCATACCTGTGGGACAGGCAGGTATAGGTCTGTCTCTGCAGGAGCTT-3'
Protein context (NP_077288.2, residues 14-34): LSHRYGLYVC[Phe24Val]LGVVVTIVSA

ClinVar aggregate classification (germline): Conflicting classifications of pathogenicity. Review status: criteria provided, conflicting classifications (1 of 4 stars). 5 submissions from 4 submitters: Uncertain significance (3); Likely benign (1). 1 of the submissions does not count toward it. Last evaluated 2026-02-02.

Conditions:
Mucolipidosis type II. Also called: Mucolipidosis II Alpha/Beta; ML II ALPHA/BETA; Mucolipidosis 2; ML 2; Inclusion cell disease; Leroy Disease. Identifiers: Orphanet 576, MedGen C2673377, MONDO:0009650, OMIM 252500.
Pseudo-Hurler polydystrophy. Also called: MUCOLIPIDOSIS IIIA; ML III; ML III ALPHA/BETA; Type III Mucolipidosis; ML IIIA; Mucolipidosis III Alpha/Beta. Identifiers: Orphanet 423461, Orphanet 577, MedGen C0033788, MONDO:0018931, OMIM 252600.

Allele frequency attached by ClinVar (database versions not stated): gnomAD exomes 0.00021 and 0.00032; ExAC 0.00026; gnomAD 0.00022 and 0.00023; ESP Exome Variant Server 0.00031; TOPMed 0.00018.
gnomAD v4.1: 333 of 1,613,050 alleles (0.021%); highest among the groups gnomAD compares: Non-Finnish European, 0.015%; 1 homozygote.

Submissions (5):

Labcorp Genetics (formerly Invitae), Labcorp
Classification: Likely benign for Pseudo-Hurler polydystrophy; Mucolipidosis type II. Last evaluated: 2026-02-02. Review status: criteria provided, single submitter. Criteria: Invitae Variant Classification Sherloc (09022015). Collection method: clinical testing. Allele origin: germline.

GeneDx
Classification: Uncertain significance. Last evaluated: 2023-09-30. Review status: criteria provided, single submitter. Criteria: GeneDx Variant Classification Process June 2021. Collection method: clinical testing. Allele origin: germline. Affected: yes.
Comment: Reported in association with mucolipidosis; however, detailed clinical information was not provided (PMID: 30882951); Functional studies suggest a reduction of enzymatic activity for the F24V mutant; however, it is unclear whether the reduction is significant for pathogenicity (PMID: 32220096); In silico analysis supports that this missense variant has a deleterious effect on protein structure/function; This variant is associated with the following publications: (PMID: 26130485, 30882951, 32220096)

Illumina Laboratory Services, Illumina
Classification: Uncertain significance for Mucolipidosis type II. Last evaluated: 2017-04-27. Review status: criteria provided, single submitter. Criteria: ICSL Variant Classification Criteria 13 December 2019. Collection method: clinical testing. Allele origin: germline.

Illumina Laboratory Services, Illumina
Classification: Uncertain significance for Pseudo-Hurler polydystrophy. Last evaluated: 2017-04-27. Review status: criteria provided, single submitter. Criteria: ICSL Variant Classification Criteria 13 December 2019. Collection method: clinical testing. Allele origin: germline.

Natera, Inc.
Classification: Likely benign for Mucolipidosis type II. Last evaluated: 2020-04-17. Review status: no assertion criteria provided. Collection method: clinical testing. Allele origin: germline. Not counted in ClinVar's aggregate classification.